The following is an entry in ClinVar:

ClinVar aggregate classification (germline): Uncertain significance (1 of 4 stars; one submission).

Conditions:
Hereditary sensory and autonomic neuropathy type 6. Also called: HSAN VI; Neuropathy, hereditary sensory and autonomic, type VI. Identifiers: Orphanet 314381, MedGen C3539003, MONDO:0013839, OMIM 614653.
Epidermolysis bullosa simplex 3, localized or generalized intermediate, with BP230 deficiency (EBS3). Also called: Epidermolysis bullosa simplex due to BP230 deficiency; Epidermolysis bullosa simplex, autosomal recessive 2. Identifiers: Orphanet 412181, MedGen C3809470, MONDO:0014180, OMIM 615425.

Allele frequency attached by ClinVar (database versions not stated): ExAC 0.00001.
gnomAD v4.1: 1 of 1,614,120 alleles (0.000062%); no homozygotes.

Submission:

Labcorp Genetics (formerly Invitae), Labcorp
Classification: Uncertain significance for Epidermolysis bullosa simplex 3, localized or generalized intermediate, with BP230 deficiency; Hereditary sensory and autonomic neuropathy type 6. Last evaluated: 2021-08-27. Review status: criteria provided, single submitter. Criteria: Invitae Variant Classification Sherloc (09022015). Collection method: clinical testing. Allele origin: germline.
Comment: This sequence change replaces threonine with asparagine at codon 1915 of the DST protein (p.Thr1915Asn). The threonine residue is weakly conserved and there is a small physicochemical difference between threonine and asparagine. This variant is present in population databases (rs748919020, ExAC 0.001%). This variant has not been reported in the literature in individuals affected with DST-related conditions. Algorithms developed to predict the effect of missense changes on protein structure and function (SIFT, PolyPhen-2, Align-GVGD) all suggest that this variant is likely to be tolerated. In summary, the available evidence is currently insufficient to determine the role of this variant in disease. Therefore, it has been classified as a Variant of Uncertain Significance.

NM_001723.7(DST):c.5744C>A (p.Thr1915Asn)

Gene: DST (dystonin; minus strand). Cytogenetic location: 6p12.1.
Variant type: single nucleotide variant.
Coding change: c.5744C>A on transcript NM_001723.7 (MANE Plus Clinical); coding-DNA position 5744, C replaced by A.
Protein change: p.Thr1915Asn; replaces threonine 1915 with asparagine.
Molecular consequence: missense variant. On other transcripts: intron variant (10).
Genome position (GRCh38, 1-based): chr6:56,618,290, G>T on the plus strand (C>A on the coding strand, the complement: DST is on the minus strand). VCF-style: chr6-56618290-G-T. GRCh37 (hg19) VCF-style: chr6-56483088-G-T.
Other names: c.4831-3806C>A (NM_001144769.5); c.4930-3806C>A (NM_001374722.1, NM_001374736.1); c.4957-3806C>A (NM_001374734.1); c.4417-3806C>A (NM_001144770.2); c.4297-3806C>A (NM_001374730.1, NM_001386100.1, NM_183380.4 and 1 more transcripts); c.3319-3806C>A (NM_015548.5); short protein forms T1915N.
Identifiers: ClinVar variation 1390146 (VCV001390146.5), dbSNP rs748919020, ClinGen allele CA3870313.
Genomic context (GRCh38, chr6:56,618,290, plus strand): 5'-TTGGGTATCTGTTCAACAACCCGATGCTGCCACTTCTCTTCCAATGGCTGTGGTTCTTGA[G>T]TCCATCTCAACAGAGGGGATCTGGGTGTTGGGTGAAGGTGTCCAGTGTTTCTAGAGGACA-3'
Protein context (NP_001714.1, residues 1905-1925): PTPRSPLLRW[Thr1915Asn]QEPQPLEEKW